The following is an entry in ClinVar:

NM_182931.3(KMT2E):c.1041A>C (p.Lys347Asn)

Gene: KMT2E (lysine methyltransferase 2E (inactive); plus strand). Cytogenetic location: 7q22.3.
Variant type: single nucleotide variant.
Coding change: c.1041A>C on transcript NM_182931.3 (MANE Select); coding-DNA position 1041, A replaced by C.
Protein change: p.Lys347Asn; replaces lysine 347 with asparagine.
Molecular consequence: missense variant.
Genome position (GRCh38, 1-based): chr7:105,077,344, A>C. VCF-style: chr7-105077344-A-C. GRCh37 (hg19) VCF-style: chr7-104717791-A-C.
Other names: c.1041A>C, p.Lys347Asn (NM_001410908.1, NM_018682.4); short protein forms K347N.
Identifiers: ClinVar variation 4704315 (VCV004704315.1).

ClinVar aggregate classification (germline): Uncertain significance (1 of 4 stars; one submission).

gnomAD v4.1: 4 of 1,611,414 alleles (0.00025%); highest among the groups gnomAD compares: Non-Finnish European, 0.00034%; no homozygotes.

Submission:

Labcorp Genetics (formerly Invitae), Labcorp
Classification: Uncertain significance. Last evaluated: 2025-03-24. Review status: criteria provided, single submitter. Criteria: Invitae Variant Classification Sherloc (09022015). Collection method: clinical testing. Allele origin: germline.
Comment: This sequence change replaces lysine, which is basic and polar, with asparagine, which is neutral and polar, at codon 347 of the KMT2E protein (p.Lys347Asn). This variant is present in population databases (no rsID available, gnomAD 0.0009%). This variant has not been reported in the literature in individuals affected with KMT2E-related conditions. Invitae Evidence Modeling of protein sequence and biophysical properties (such as structural, functional, and spatial information, amino acid conservation, physicochemical variation, residue mobility, and thermodynamic stability) has been performed for this missense variant. However, the output from this modeling did not meet the statistical confidence thresholds required to predict the impact of this variant on KMT2E protein function. In summary, the available evidence is currently insufficient to determine the role of this variant in disease. Therefore, it has been classified as a Variant of Uncertain Significance.